The following is an entry in ClinVar:

ClinVar aggregate classification (germline): Pathogenic. Review status: criteria provided, multiple submitters, no conflicts (2 of 4 stars). 4 submissions from 4 submitters: Pathogenic (4). Last evaluated 2024-05-20.

Conditions:
RB1-related disorder. Also called: RB1-related condition.
Hereditary cancer-predisposing syndrome. Also called: Neoplastic Syndromes, Hereditary; Hereditary Cancer Syndrome; Tumor predisposition; Hereditary neoplastic syndrome. Identifiers: Orphanet 140162, MedGen C0027672, MeSH D009386, MONDO:0015356.
Retinoblastoma (RB1). Also called: RETINOBLASTOMA, SOMATIC. Identifiers: Orphanet 790, MedGen C0035335, MeSH D012175, MONDO:0008380, OMIM 180200, HP:0009919. Disease mechanism: loss of function. Inheritance: Both sporadic and heritable forms are tested..

Submissions (4):

Genetic Diagnostic Laboratory, University of Pennsylvania School of Medicine
Classification: Pathogenic for Retinoblastoma. Last evaluated: 2024-05-20. Review status: criteria provided, single submitter. Criteria: ACMG Guidelines, 2015. Collection method: clinical testing. Allele origin: germline. Affected: yes. Observed: 2 variant alleles.
Comment: Case and Pedigree Information: BILATERAL CASES:1, UNILATERAL CASES:1, TOTAL CASES:2, PEDIGREES:2. ACMG Codes Applied:PVS1, PM2

Blueprint Genetics
Classification: Pathogenic for RB1-related disorders. Last evaluated: 2021-07-13. Review status: criteria provided, single submitter. Criteria: ACMG Guidelines, 2015. Collection method: clinical testing. Allele origin: germline. Affected: yes. Observed: 1 variant allele.

Labcorp Genetics (formerly Invitae), Labcorp
Classification: Pathogenic for Retinoblastoma. Last evaluated: 2019-02-10. Review status: criteria provided, single submitter. Criteria: Invitae Variant Classification Sherloc (09022015). Collection method: clinical testing. Allele origin: germline.
Comment: For these reasons, this variant has been classified as Pathogenic. Loss-of-function variants in RB1 are known to be pathogenic (PMID: 17096365). This variant has been observed in individuals affected with retinoblastoma (PMID: 12541220, 15605413). This variant is also known as 1195delAC, g.65374_65375delCA in the literature. ClinVar contains an entry for this variant (Variation ID: 126828). This variant is not present in population databases (ExAC no frequency). This sequence change creates a premature translational stop signal (p.Gln354Glufs*7) in the RB1 gene. It is expected to result in an absent or disrupted protein product.

Ambry Genetics
Classification: Pathogenic for Hereditary cancer-predisposing syndrome. Last evaluated: 2015-04-07. Review status: criteria provided, single submitter. Criteria: Ambry Autosomal Dominant and X-Linked criteria (10/2015). Collection method: clinical testing. Allele origin: germline. Observed: 1 variant allele.
Comment: The c.1060_1061delCA pathogenic mutation, located in coding exon 11 of the RB1 gene, results from a deletion of two nucleotides at positions 1060 and 1061, causing a translational frameshift with a predicted alternate stop codon. This mutation was previously identified in one study in one individual with retinoblastoma. Of note, this study refersto this alteration as 1195delAC(Richter S, Am. J. Hum. Genet. 2003 Feb; 72(2):253-69). In addition the clinical data presented in the literature, since frameshifts are typically deleterious in nature, this alteration is interpreted as a disease-causing mutation (ACMG Recommendations for Standards for Interpretation and Reporting of Sequence Variations. Revision 2007. Genet Med. 2008;10:294).

Literature cited by the submitters: PubMed 17096365 (cited by Labcorp Genetics (formerly Invitae), Labcorp); PubMed 12541220 (cited by Labcorp Genetics (formerly Invitae), Labcorp and Ambry Genetics); PubMed 15605413 (cited by Labcorp Genetics (formerly Invitae), Labcorp).

NM_000321.3(RB1):c.1060_1061del (p.Gln354fs)

Gene: RB1 (RB transcriptional corepressor 1; plus strand). Cytogenetic location: 13q14.2.
Variant type: Microsatellite.
Coding change: c.1060_1061del on transcript NM_000321.3 (MANE Select); coding-DNA positions 1060 to 1061, 2 bases deleted (CA; older notation c.1060_1061delCA).
Protein change: p.Gln354fs; shifts the reading frame from glutamine 354.
Molecular consequence: frameshift variant.
Genome position (GRCh38, 1-based): chr13:48,368,537-48,368,538, CA deleted; deleting any 2 consecutive bases within chr13:48,368,534-48,368,538 gives the same sequence; the c. name uses the placement nearest the transcript's 3' end. VCF-style (leftmost placement, unchanged base first): chr13-48368533-AAC-A. GRCh37 (hg19) VCF-style: chr13-48942669-AAC-A.
Other names: L11910:g.65374_65375delCA; c.1060_1061delCA (NM_000321.2); short protein forms Q354fs.
Identifiers: ClinVar variation 126828 (VCV000126828.15), dbSNP rs587778829, ClinGen allele CA026362.